The following is an entry in ClinVar:

ClinVar aggregate classification (germline): Benign. Review status: criteria provided, multiple submitters, no conflicts (2 of 4 stars). 7 submissions from 7 submitters: Benign (5). 2 of the submissions do not count toward it. Last evaluated 2025-10-07.

Conditions:
Monogenic diabetes. Identifiers: Orphanet 183625, MedGen C3888631, MONDO:0015967.

Allele frequency attached by ClinVar (database versions not stated): ESP Exome Variant Server 0.03986; gnomAD 0.03600; TOPMed 0.04054; 1000 Genomes Project 30x 0.04216; gnomAD exomes 0.00346 and 0.00831; ExAC 0.01568; 1000 Genomes Project 0.03994.
gnomAD v4.1: 10,689 of 1,554,368 alleles (0.69%); highest among the groups gnomAD compares: African/African-American, 13%; 622 homozygotes.

Submissions (7):

Athena Diagnostics
Classification: Benign. Last evaluated: 2025-10-07. Review status: criteria provided, single submitter. Criteria: Athena Diagnostics Criteria. Collection method: clinical testing. Allele origin: unknown.
Comment: The frequency of this variant in the general population is higher than would generally be expected for pathogenic variants in this gene.

Personalized Diabetes Medicine Program, University of Maryland School of Medicine
Classification: Benign for Monogenic diabetes. Last evaluated: 2019-01-25. Review status: criteria provided, single submitter. Criteria: ACMG Guidelines, 2015. Collection method: research. Allele origin: unknown. Observed: 30 variant alleles, 27 heterozygotes, 3 homozygotes.
Comment: ACMG criteria: BA1 (14% in Africans, seen in previous cases, similar freq in Today/1000g), BS2 (22 homozygotes in ExAC)= benign (REVEL 0.224 and 7 predictors/BP4: conflicing evidence, not using)

GeneDx
Classification: Benign. Last evaluated: 2018-08-03. Review status: criteria provided, single submitter. Criteria: GeneDx Variant Classification Process June 2021. Collection method: clinical testing. Allele origin: germline. Affected: yes.

Breakthrough Genomics
Classification: Benign. Review status: criteria provided, single submitter. Criteria: ACMG Guidelines, 2015. Collection method: not provided. Allele origin: germline. Inheritance: Autosomal recessive inheritance. Affected: yes.

PreventionGenetics, part of Exact Sciences
Classification: Benign. Review status: criteria provided, single submitter. Criteria: ACMG Guidelines, 2015. Collection method: clinical testing. Allele origin: germline.

Clinical Genetics, Academic Medical Center
Classification: Benign. Review status: no assertion criteria provided. Collection method: clinical testing. Allele origin: germline. Affected: yes. Study: VKGL Data-share Consensus. Not counted in ClinVar's aggregate classification.

Laboratory of Diagnostic Genome Analysis, Leiden University Medical Center (LUMC)
Classification: Likely benign. Review status: no assertion criteria provided. Collection method: clinical testing. Allele origin: germline. Affected: yes. Study: VKGL Data-share Consensus. Not counted in ClinVar's aggregate classification.

NM_001122955.4(BSCL2):c.60C>G (p.Asp20Glu)

Genes: GNG3 (G protein subunit gamma 3; plus strand), HNRNPUL2-BSCL2 (HNRNPUL2-BSCL2 readthrough (NMD candidate); minus strand), BSCL2 (BSCL2 lipid droplet biogenesis associated, seipin; minus strand). Cytogenetic location: 11q12.3.
Variant type: single nucleotide variant.
Coding change: c.60C>G on transcript NM_001122955.4 (MANE Select); coding-DNA position 60, C replaced by G.
Protein change: p.Asp20Glu; replaces aspartic acid 20 with glutamic acid.
Molecular consequence: missense variant. On other transcripts: non-coding transcript variant (1).
Genome position (GRCh38, 1-based): chr11:62,707,136, G>C on the plus strand (C>G on the coding strand, the complement: BSCL2 is on the minus strand). VCF-style: chr11-62707136-G-C. GRCh37 (hg19) VCF-style: chr11-62474608-G-C.
Other names: c.60C>G, p.Asp20Glu (NM_001386027.1, NM_001386028.1); short protein forms D20E.
Identifiers: ClinVar variation 257498 (VCV000257498.10), dbSNP rs115116507, ClinGen allele CA6053675.